The following is an entry in ClinVar:

ClinVar aggregate classification (germline): Uncertain significance (1 of 4 stars; one submission).

Submission:

GeneDx
Classification: Uncertain significance. Last evaluated: 2012-12-31. Review status: criteria provided, single submitter. Criteria: GeneDx Variant Classification (06012015). Collection method: clinical testing. Allele origin: germline. Affected: yes.
Comment: The Ala640Ser missense change has not been published as a mutation, nor has it been reported as a benign polymorphism to our knowledge. The NHLBI ESP Exome Variant Project has not identified Ala640Ser in approximately 6,400 individuals of European or African American ethnicity, indicating that it is not a common benign variant in these populations. This amino acid substitution is non-conservative, as a non-polar Alanine residue is replaced by a polar Serine residue. It alters a highly conserved position in the third LNS domain of the NRXN1 protein. However, to our knowledge, missense mutations have not been previously reported near the Ala640 position. Some in silico models predict that Ala640Ser may be damaging to protein structure/function, while others suggest it it likely benign.Therefore, based on the currently available information, it is unclear whether Ala640Ser is a disease-causing mutation or a rare benign variant. The variant is found in EPILEPSY panel(s).

NM_001330078.2(NRXN1):c.1798G>T (p.Ala600Ser)

Gene: NRXN1 (neurexin 1; minus strand). Cytogenetic location: 2p16.3.
Variant type: single nucleotide variant.
Coding change: c.1798G>T on transcript NM_001330078.2 (MANE Select); coding-DNA position 1798, G replaced by T.
Protein change: p.Ala600Ser; replaces alanine 600 with serine.
Molecular consequence: missense variant.
Genome position (GRCh38, 1-based): chr2:50,538,598, C>A on the plus strand (G>T on the coding strand, the complement: NRXN1 is on the minus strand). VCF-style: chr2-50538598-C-A. GRCh37 (hg19) VCF-style: chr2-50765736-C-A.
Other names: p.A640S:GCT>TCT; c.1918G>T, p.Ala640Ser (NM_001135659.3); c.1774G>T, p.Ala592Ser (NM_001330077.2, NM_001330082.2, NM_001330095.2); c.1759G>T, p.Ala587Ser (NM_001330083.2, NM_001330084.2); c.1798G>T, p.Ala600Ser (NM_001330085.2, NM_001330086.2, NM_004801.6); c.1714G>T, p.Ala572Ser (NM_001330087.2, NM_001330096.2); c.1744G>T, p.Ala582Ser (NM_001330088.2); c.1795G>T, p.Ala599Ser (NM_001330093.2); and 1 more; short protein forms A640S, A582S, A600S, A587S, A592S, A572S, A596S, A599S.
Identifiers: ClinVar variation 206224 (VCV000206224.2), dbSNP rs796052770, ClinGen allele CA316097.